The following is an entry in ClinVar:

ClinVar aggregate classification (germline): Uncertain significance (1 of 4 stars; one submission).

Conditions:
Hereditary cancer-predisposing syndrome. Also called: Tumor predisposition; Hereditary Cancer Syndrome; Hereditary neoplastic syndrome; Neoplastic Syndromes, Hereditary. Identifiers: Orphanet 140162, MedGen C0027672, MeSH D009386, MONDO:0015356.

Submission:

Ambry Genetics
Classification: Uncertain significance for Hereditary cancer-predisposing syndrome. Last evaluated: 2026-01-28. Review status: criteria provided, single submitter. Criteria: Ambry Variant Classification Scheme 2023. Collection method: clinical testing. Allele origin: germline.
Comment: The p.A77V variant (also known as c.230C>T), located in coding exon 3 of the SDHA gene, results from a C to T substitution at nucleotide position 230. The alanine at codon 77 is replaced by valine, an amino acid with similar properties. This amino acid position is highly conserved in available vertebrate species. In addition, this alteration is predicted to be deleterious by in silico analysis. Based on the available evidence, the clinical significance of this variant remains unclear.

NM_004168.4(SDHA):c.230C>T (p.Ala77Val)

Gene: SDHA (succinate dehydrogenase complex flavoprotein subunit A; plus strand). Cytogenetic location: 5p15.33.
Variant type: single nucleotide variant.
Coding change: c.230C>T on transcript NM_004168.4 (MANE Select); coding-DNA position 230, C replaced by T.
Protein change: p.Ala77Val; replaces alanine 77 with valine.
Molecular consequence: missense variant.
Genome position (GRCh38, 1-based): chr5:224,439, C>T. VCF-style: chr5-224439-C-T. GRCh37 (hg19) VCF-style: chr5-224554-C-T.
Other names: c.230C>T, p.Ala77Val (NM_001294332.2, NM_001330758.2); short protein forms A77V.
Identifiers: ClinVar variation 1789410 (VCV001789410.3), dbSNP rs2477286304, ClinGen allele CA359008531.